The following is an entry in ClinVar:

NM_001351132.2(PEX5):c.246C>T (p.Phe82=)

Gene: PEX5 (peroxisomal biogenesis factor 5; plus strand). Cytogenetic location: 12p13.31.
Variant type: single nucleotide variant.
Coding change: c.246C>T on transcript NM_001351132.2 (MANE Select); coding-DNA position 246, C replaced by T.
Protein change: p.Phe82=; no amino-acid change (phenylalanine 82 retained).
Molecular consequence: synonymous variant.
Genome position (GRCh38, 1-based): chr12:7,191,288, C>T. VCF-style: chr12-7191288-C-T. GRCh37 (hg19) VCF-style: chr12-7343884-C-T.
Other names: p.Phe97=; c.246C>T, p.Phe82= (NM_000319.5, NM_001131024.2, NM_001131025.2 and 19 more transcripts); c.291C>T, p.Phe97= (NM_001131023.2, NM_001351135.3, NM_001351138.2); c.291C>T (NM_001131023.1).
Identifiers: ClinVar variation 796075 (VCV000796075.5), dbSNP rs1591647900, ClinGen allele CA478523372.

ClinVar aggregate classification (germline): Likely benign. Review status: criteria provided, multiple submitters, no conflicts (2 of 4 stars). 2 submissions from 2 submitters: Likely benign (2). Last evaluated 2025-12-24.

Conditions:
Peroxisome biogenesis disorder 2B (PBD2B). Identifiers: Orphanet 44, MedGen C3550234, MONDO:0008736, OMIM 202370.

Submissions (2):

Labcorp Genetics (formerly Invitae), Labcorp
Classification: Likely benign for Peroxisome biogenesis disorder 2B. Last evaluated: 2025-12-24. Review status: criteria provided, single submitter. Criteria: Invitae Variant Classification Sherloc (09022015). Collection method: clinical testing. Allele origin: germline.

Mayo Clinic Laboratories, Mayo Clinic
Classification: Likely benign. Last evaluated: 2025-08-11. Review status: criteria provided, single submitter. Criteria: ACMG Guidelines, 2015. Collection method: clinical testing. Allele origin: germline. Observed: 1 variant allele.
Comment: BP4, PM2_supporting